The following is an entry in ClinVar:

NM_020117.11(LARS1):c.3314G>A (p.Arg1105Gln)

Gene: LARS1 (leucyl-tRNA synthetase 1; minus strand). Cytogenetic location: 5q32.
Variant type: single nucleotide variant.
Coding change: c.3314G>A on transcript NM_020117.11 (MANE Select); coding-DNA position 3314, G replaced by A.
Protein change: p.Arg1105Gln; replaces arginine 1105 with glutamine.
Molecular consequence: missense variant.
Genome position (GRCh38, 1-based): chr5:146,120,382, C>T on the plus strand (G>A on the coding strand, the complement: LARS1 is on the minus strand). VCF-style: chr5-146120382-C-T. GRCh37 (hg19) VCF-style: chr5-145499945-C-T.
Other names: c.3176G>A, p.Arg1059Gln (NM_001317964.2); c.3152G>A, p.Arg1051Gln (NM_001317965.2); c.3233G>A, p.Arg1078Gln (NM_016460.4); short protein forms R1051Q, R1059Q, R1078Q, R1105Q.
Identifiers: ClinVar variation 2413083 (VCV002413083.3), dbSNP rs1751763424, ClinGen allele CA361608924.

ClinVar aggregate classification (germline): Uncertain significance (1 of 4 stars; one submission).

Allele frequency attached by ClinVar (database versions not stated): gnomAD exomes 0.00001.
gnomAD v4.1: 10 of 1,612,984 alleles (0.00062%); highest among the groups gnomAD compares: South Asian, 0.0011%; no homozygotes.

Submission:

GeneDx
Classification: Uncertain significance. Last evaluated: 2022-07-28. Review status: criteria provided, single submitter. Criteria: GeneDx Variant Classification Process June 2021. Collection method: clinical testing. Allele origin: germline. Affected: yes.
Comment: Not observed at significant frequency in large population cohorts (gnomAD); In silico analysis supports that this missense variant does not alter protein structure/function; Has not been previously published as pathogenic or benign to our knowledge